The following is an entry in ClinVar:

ClinVar aggregate classification (germline): Uncertain significance (1 of 4 stars; one submission).

Submission:

Labcorp Genetics (formerly Invitae), Labcorp
Classification: Uncertain significance. Last evaluated: 2025-05-30. Review status: criteria provided, single submitter. Criteria: Invitae Variant Classification Sherloc (09022015). Collection method: clinical testing. Allele origin: germline.
Comment: This sequence change creates a premature translational stop signal (p.Asp328Trpfs*3) in the POLD2 gene. It is expected to result in an absent or disrupted protein product. However, the current clinical and genetic evidence is not sufficient to establish whether loss-of-function variants in POLD2 cause disease. This variant is present in population databases (rs776001480, gnomAD 0.01%). This variant has not been reported in the literature in individuals affected with POLD2-related conditions. In summary, the available evidence is currently insufficient to determine the role of this variant in disease. Therefore, it has been classified as a Variant of Uncertain Significance.

NM_006230.4(POLD2):c.875_876dup (p.Asp293fs)

Gene: POLD2 (DNA polymerase delta 2, accessory subunit; minus strand). Cytogenetic location: 7p13.
Variant type: Duplication.
Coding change: c.875_876dup on transcript NM_006230.4 (MANE Select); coding-DNA positions 875 to 876, 2 bases duplicated (TG; older notation c.875_876dupTG).
Protein change: p.Asp293fs; shifts the reading frame from aspartic acid 293.
Molecular consequence: frameshift variant.
Genome position (GRCh38, 1-based): chr7:44,116,258-44,116,259, CA duplicated on the plus strand (TG on the coding strand, the reverse complement: POLD2 is on the minus strand); duplicating any 2 consecutive bases within chr7:44,116,258-44,116,260 gives the same sequence; the c. name uses the placement nearest the transcript's 3' end. VCF-style (leftmost placement, unchanged base first): chr7-44116257-C-CCA. GRCh37 (hg19) VCF-style: chr7-44155856-C-CCA.
Other names: c.875_876dup, p.Asp293fs (NM_001127218.3, NM_001256879.2); short protein forms D293fs.
Identifiers: ClinVar variation 4765523 (VCV004765523.1).
Genomic context (GRCh38, chr7:44,116,257, plus strand): 5'-GGTGGAGGGGCTGCTGGGGGAGCGTGTAATTGGTGGGATCAAACTCGCCTGGCATCACGT[C>CCA]CACGGGCACTGAGGCCTGGAAGGCACAGGGCAGGGAGAGCTCACAGGGCCCCGAAGGAGC-3'